The following is an entry in ClinVar:

ClinVar aggregate classification (germline): Uncertain significance. Review status: criteria provided, multiple submitters, no conflicts (2 of 4 stars). 4 submissions from 4 submitters: Uncertain significance (4). Last evaluated 2025-07-16.

Conditions:
Cardiovascular phenotype. Identifiers: MedGen CN230736.
Desmin-related myofibrillar myopathy (MFM1). Also called: MYOFIBRILLAR MYOPATHY WITH ARRHYTHMOGENIC RIGHT VENTRICULAR CARDIOMYOPATHY; DESMIN-RELATED MYOPATHY WITH ARRHYTHMOGENIC RIGHT VENTRICULAR CARDIOMYOPATHY; Myofibrillar myopathy 1; Desminopathy; Desmin related myopathy (former name); Desmin storage myopathy (former name). Identifiers: Orphanet 363543, Orphanet 98909, MedGen C1832370, MONDO:0011076, OMIM 601419.

Submissions (4):

Women's Health and Genetics/Laboratory Corporation of America, LabCorp
Classification: Uncertain significance. Last evaluated: 2025-07-16. Review status: criteria provided, single submitter. Criteria: LabCorp Variant Classification Summary - May 2015. Collection method: clinical testing. Allele origin: germline.
Comment: Variant summary: DES c.512A>C (p.Asn171Thr) results in a non-conservative amino acid change in the encoded protein sequence. Algorithms developed to predict the effect of missense changes on protein structure and function are either unavailable or do not agree on the potential impact of this missense change. The frequency data for this variant in gnomAD is considered unreliable, as metrics indicate poor data quality at this position. To our knowledge, no occurrence of c.512A>C in individuals affected with Desmin-related myofibrillar myopathy and no experimental evidence demonstrating its impact on protein function have been reported. ClinVar contains an entry for this variant (Variation ID: 2931410). Based on the evidence outlined above, the variant was classified as uncertain significance.

Ambry Genetics
Classification: Uncertain significance for Cardiovascular phenotype. Last evaluated: 2024-11-27. Review status: criteria provided, single submitter. Criteria: Ambry Variant Classification Scheme 2023. Collection method: clinical testing. Allele origin: germline.
Comment: The p.N171T variant (also known as c.512A>C), located in coding exon 1 of the DES gene, results from an A to C substitution at nucleotide position 512. The asparagine at codon 171 is replaced by threonine, an amino acid with similar properties. This amino acid position is conserved. In addition, this alteration is predicted to be tolerated by in silico analysis. Based on the available evidence, the clinical significance of this variant remains unclear.

Blueprint Genetics
Classification: Uncertain significance. Last evaluated: 2024-11-13. Review status: criteria provided, single submitter. Criteria: ACMG Guidelines, 2015. Collection method: clinical testing. Allele origin: germline.

Labcorp Genetics (formerly Invitae), Labcorp
Classification: Uncertain significance for Desmin-related myofibrillar myopathy. Last evaluated: 2023-12-13. Review status: criteria provided, single submitter. Criteria: Invitae Variant Classification Sherloc (09022015). Collection method: clinical testing. Allele origin: germline.
Comment: This sequence change replaces asparagine, which is neutral and polar, with threonine, which is neutral and polar, at codon 171 of the DES protein (p.Asn171Thr). This variant is not present in population databases (gnomAD no frequency). This variant has not been reported in the literature in individuals affected with DES-related conditions. Advanced modeling of protein sequence and biophysical properties (such as structural, functional, and spatial information, amino acid conservation, physicochemical variation, residue mobility, and thermodynamic stability) has been performed at Invitae for this missense variant, however the output from this modeling did not meet the statistical confidence thresholds required to predict the impact of this variant on DES protein function. In summary, the available evidence is currently insufficient to determine the role of this variant in disease. Therefore, it has been classified as a Variant of Uncertain Significance.

NM_001927.4(DES):c.512A>C (p.Asn171Thr)

Gene: DES (desmin; plus strand). Cytogenetic location: 2q35.
Variant type: single nucleotide variant.
Coding change: c.512A>C on transcript NM_001927.4 (MANE Select); coding-DNA position 512, A replaced by C.
Protein change: p.Asn171Thr; replaces asparagine 171 with threonine.
Molecular consequence: missense variant. On other transcripts: intron variant (1).
Genome position (GRCh38, 1-based): chr2:219,418,974, A>C. VCF-style: chr2-219418974-A-C. GRCh37 (hg19) VCF-style: chr2-220283696-A-C.
Other names: c.512A>C, p.Asn171Thr (NM_001382708.1, NM_001382709.1, NM_001382710.1 and 2 more transcripts); c.495+17A>C (NM_001382713.1); short protein forms N171T.
Identifiers: ClinVar variation 2931410 (VCV002931410.6), dbSNP rs2545248161, ClinGen allele CA350686771.